The following is an entry in ClinVar:

NM_001370595.2(COA8):c.218del (p.Pro73fs)

Gene: COA8 (cytochrome c oxidase assembly factor 8; plus strand). Cytogenetic location: 14q32.33.
Variant type: Deletion.
Coding change: c.218del on transcript NM_001370595.2 (MANE Select); coding-DNA position 218, one base deleted (C; older notation c.218delC).
Protein change: p.Pro73fs; shifts the reading frame from proline 73.
Molecular consequence: frameshift variant. On other transcripts: non-coding transcript variant (2).
Genome position (GRCh38, 1-based): chr14:103,571,717, C deleted; the last of 2 consecutive C bases (chr14:103,571,716-103,571,717); deleting either gives the same sequence. VCF-style (leftmost placement, unchanged base first): chr14-103571715-AC-A. GRCh37 (hg19) VCF-style: chr14-104038052-AC-A.
Other names: c.218del, p.Pro73fs (NM_001302653.2, NM_001302654.2); c.257delC, p.Pro86Leufs (NM_032374.4); short protein forms P73fs.
Identifiers: ClinVar variation 2114541 (VCV002114541.4), dbSNP rs1566979450, ClinGen allele CA616583017.

ClinVar aggregate classification (germline): Pathogenic (1 of 4 stars; one submission).

Submission:

Labcorp Genetics (formerly Invitae), Labcorp
Classification: Pathogenic. Last evaluated: 2022-08-22. Review status: criteria provided, single submitter. Criteria: Invitae Variant Classification Sherloc (09022015). Collection method: clinical testing. Allele origin: germline.
Comment: For these reasons, this variant has been classified as Pathogenic. This variant has not been reported in the literature in individuals affected with APOPT1-related conditions. This variant is present in population databases (no rsID available, gnomAD 0.003%). This sequence change creates a premature translational stop signal (p.Pro86Leufs*14) in the APOPT1 gene. It is expected to result in an absent or disrupted protein product. Loss-of-function variants in APOPT1 are known to be pathogenic (PMID: 25175347).

Literature cited by the submitters: PubMed 25175347.